The following is an entry in ClinVar:

NM_004168.4(SDHA):c.700G>A (p.Val234Ile)

Gene: SDHA (succinate dehydrogenase complex flavoprotein subunit A; plus strand). Cytogenetic location: 5p15.33.
Variant type: single nucleotide variant.
Coding change: c.700G>A on transcript NM_004168.4 (MANE Select); coding-DNA position 700, G replaced by A.
Protein change: p.Val234Ile; replaces valine 234 with isoleucine.
Molecular consequence: missense variant.
Genome position (GRCh38, 1-based): chr5:228,263, G>A. VCF-style: chr5-228263-G-A. GRCh37 (hg19) VCF-style: chr5-228378-G-A.
Other names: c.700G>A (NM_004168.2); c.556G>A, p.Val186Ile (NM_001294332.2); c.700G>A, p.Val234Ile (NM_001330758.2); short protein forms V186I, V234I.
Identifiers: ClinVar variation 1431191 (VCV001431191.9), dbSNP rs2126558764, ClinGen allele CA359010963.
Genomic context (GRCh38, chr5:228,263, plus strand): 5'-AGCTATTTTGTGGAGTATTTTGCCTTGGATCTCCTGATGGAGAATGGGGAGTGCCGTGGT[G>A]TCATCGCACTGTGCATAGAGGACGGGTCCATCCATCGCATAAGAGCAAAGAACACTGTTG-3'
Protein context (NP_004159.2, residues 224-244): LLMENGECRG[Val234Ile]IALCIEDGSI

ClinVar aggregate classification (germline): Uncertain significance. Review status: criteria provided, multiple submitters, no conflicts (2 of 4 stars). 2 submissions from 2 submitters: Uncertain significance (2). Last evaluated 2024-08-27.

Conditions:
Hereditary cancer-predisposing syndrome. Also called: Neoplastic Syndromes, Hereditary; Hereditary Cancer Syndrome; Hereditary neoplastic syndrome; Tumor predisposition. Identifiers: Orphanet 140162, MedGen C0027672, MeSH D009386, MONDO:0015356.
Mitochondrial complex II deficiency, nuclear type 1. Also called: SUCCINATE CoQ REDUCTASE DEFICIENCY. Identifiers: Orphanet 3208, MedGen C5700310, MONDO:0100294, OMIM 252011.
Pheochromocytoma/paraganglioma syndrome 5. Also called: Paragangliomas 5; SDHA-Related Hereditary Paraganglioma-Pheochromocytoma Syndrome. Identifiers: Orphanet 29072, MedGen C3279992, MONDO:0013602, OMIM 614165.

Allele frequency attached by ClinVar (database versions not stated): gnomAD exomes below 0.00001.
gnomAD v4.1: 1 of 1,613,676 alleles (0.000062%); highest among the groups gnomAD compares: African/African-American, 0.0013%; no homozygotes.

Submissions (2):

Labcorp Genetics (formerly Invitae), Labcorp
Classification: Uncertain significance for Pheochromocytoma/paraganglioma syndrome 5; Mitochondrial complex II deficiency, nuclear type 1. Last evaluated: 2024-08-27. Review status: criteria provided, single submitter. Criteria: Invitae Variant Classification Sherloc (09022015). Collection method: clinical testing. Allele origin: germline.
Comment: This sequence change replaces valine, which is neutral and non-polar, with isoleucine, which is neutral and non-polar, at codon 234 of the SDHA protein (p.Val234Ile). This variant is not present in population databases (gnomAD no frequency). This variant has not been reported in the literature in individuals affected with SDHA-related conditions. ClinVar contains an entry for this variant (Variation ID: 1431191). Invitae Evidence Modeling of protein sequence and biophysical properties (such as structural, functional, and spatial information, amino acid conservation, physicochemical variation, residue mobility, and thermodynamic stability) indicates that this missense variant is not expected to disrupt SDHA protein function with a negative predictive value of 95%. In summary, the available evidence is currently insufficient to determine the role of this variant in disease. Therefore, it has been classified as a Variant of Uncertain Significance.

Ambry Genetics
Classification: Uncertain significance for Hereditary cancer-predisposing syndrome. Last evaluated: 2024-05-29. Review status: criteria provided, single submitter. Criteria: Ambry Variant Classification Scheme 2023. Collection method: clinical testing. Allele origin: germline.
Comment: The p.V234I variant (also known as c.700G>A), located in coding exon 6 of the SDHA gene, results from a G to A substitution at nucleotide position 700. The valine at codon 234 is replaced by isoleucine, an amino acid with highly similar properties. This amino acid position is highly conserved in available vertebrate species. In addition, the in silico prediction for this alteration is inconclusive. Based on the available evidence, the clinical significance of this variant remains unclear.